The following is an entry in ClinVar:

NM_003482.4(KMT2D):c.6387_6439delinsACTACCCCCGCCGGCTTGTCTACCTCTGCGGA (p.Thr2130_Ala2147delinsLeuProProProAlaCysLeuProLeuArgThr)

Gene: KMT2D (lysine methyltransferase 2D; minus strand). Cytogenetic location: 12q13.12.
Variant type: Indel.
Coding change: c.6387_6439delinsACTACCCCCGCCGGCTTGTCTACCTCTGCGGA on transcript NM_003482.4 (MANE Select); coding-DNA positions 6387 to 6439, the reference bases replaced by an inserted sequence.
Protein change: p.Thr2130_Ala2147delinsLeuProProProAlaCysLeuProLeuArgThr.
Molecular consequence: inframe indel.
Genome position (GRCh38, 1-based): chr12:49,041,331-49,041,383, 53 bases replaced. GRCh37 (hg19): chr12:49,435,114-49,435,166.
Other names: c.6387_6439del53insACTACCCCCGCCGGCTTGTCTACCTCTGCGGA, p.Thr2130_Ala2147delinsLeuProProProAlaCysLeuProLeuArgThr (NM_003482.3).
Identifiers: ClinVar variation 2499877 (VCV002499877.1), dbSNP rs2498403361, ClinGen allele CA2580086377.

ClinVar aggregate classification (germline): Uncertain significance (1 of 4 stars; one submission).

Submission:

GeneDx
Classification: Uncertain significance. Last evaluated: 2022-10-21. Review status: criteria provided, single submitter. Criteria: GeneDx Variant Classification Process June 2021. Collection method: clinical testing. Allele origin: germline. Affected: yes.
Comment: Not observed at significant frequency in large population cohorts (gnomAD); In-frame deletion of 18 amino acids and insertion of 11 amino acids in a non-repeat region; In silico analysis supports a deleterious effect on protein structure/function; Has not been previously published as pathogenic or benign to our knowledge